The following is an entry in ClinVar:

NM_001079802.2(FKTN):c.781C>T (p.Gln261Ter)

Gene: FKTN (fukutin; plus strand). Cytogenetic location: 9q31.2.
Variant type: single nucleotide variant.
Coding change: c.781C>T on transcript NM_001079802.2 (MANE Select); coding-DNA position 781, C replaced by T.
Protein change: p.Gln261Ter; replaces glutamine 261 with a stop codon.
Molecular consequence: nonsense. On other transcripts: non-coding transcript variant (1).
Genome position (GRCh38, 1-based): chr9:105,615,278, C>T. VCF-style: chr9-105615278-C-T. GRCh37 (hg19) VCF-style: chr9-108377559-C-T.
Other names: c.385C>T, p.Gln129Ter (NM_001351499.2, NM_001351500.2, NM_001351501.2 and 1 more transcripts); c.781C>T, p.Gln261Ter (NM_006731.2, NM_001198963.2, NM_001351496.2 and 1 more transcripts); c.712C>T, p.Gln238Ter (NM_001351497.2); short protein forms Q129*, Q261*, Q238*.
Identifiers: ClinVar variation 3655277 (VCV003655277.2).
Genomic context (GRCh38, chr9:105,615,278, plus strand): 5'-AGAAAGGTTCCTAGCAATTTAGAAATGGCTGTAATAGCTGACTATTTATTATATCTGTAG[C>T]AGTACCTTGATGATAACACTGTGGAAGCTGTGGCCTTTCGGAAGAGTGCAAAGGAATTAC-3'

ClinVar aggregate classification (germline): Pathogenic (1 of 4 stars; one submission).

Conditions:
Walker-Warburg congenital muscular dystrophy. Also called: Muscular dystrophy-dystroglycanopathy, type A; Walker-Warburg syndrome. Identifiers: Orphanet 899, MedGen C0265221, MONDO:0000171.

Submission:

Labcorp Genetics (formerly Invitae), Labcorp
Classification: Pathogenic for Walker-Warburg congenital muscular dystrophy. Last evaluated: 2024-06-02. Review status: criteria provided, single submitter. Criteria: Invitae Variant Classification Sherloc (09022015). Collection method: clinical testing. Allele origin: germline.
Comment: This sequence change creates a premature translational stop signal (p.Gln261*) in the FKTN gene. It is expected to result in an absent or disrupted protein product. Loss-of-function variants in FKTN are known to be pathogenic (PMID: 17044012, 17878207, 18752264). This variant is not present in population databases (gnomAD no frequency). This variant has not been reported in the literature in individuals affected with FKTN-related conditions. For these reasons, this variant has been classified as Pathogenic.

Literature cited by the submitters: PubMed 17044012; PubMed 17878207; PubMed 18752264.